The following is an entry in ClinVar:

ClinVar aggregate classification (germline): Conflicting classifications of pathogenicity. Review status: criteria provided, conflicting classifications (1 of 4 stars). 2 submissions from 2 submitters: Uncertain significance (1); Likely benign (1). Last evaluated 2025-08-27.

Allele frequency attached by ClinVar (database versions not stated): ESP Exome Variant Server 0.00015.

Submissions (2):

Ambry Genetics
Classification: Uncertain significance. Last evaluated: 2025-08-27. Review status: criteria provided, single submitter. Criteria: Ambry Variant Classification Scheme 2023. Collection method: clinical testing. Allele origin: germline.

CeGaT Center for Human Genetics Tuebingen
Classification: Likely benign. Last evaluated: 2024-01-01. Review status: criteria provided, single submitter. Criteria: CeGaT Center For Human Genetics Tuebingen Variant Classification Criteria Version 2. Collection method: clinical testing. Allele origin: germline. Affected: yes. Observed: 1 variant allele.
Comment: SIGLEC1: BP4

NM_023068.4(SIGLEC1):c.1423C>T (p.Arg475Cys)

Gene: SIGLEC1 (sialic acid binding Ig like lectin 1; minus strand). Cytogenetic location: 20p13.
Variant type: single nucleotide variant.
Coding change: c.1423C>T on transcript NM_023068.4 (MANE Select); coding-DNA position 1423, C replaced by T.
Protein change: p.Arg475Cys; replaces arginine 475 with cysteine.
Molecular consequence: missense variant.
Genome position (GRCh38, 1-based): chr20:3,701,447, G>A on the plus strand (C>T on the coding strand, the complement: SIGLEC1 is on the minus strand). VCF-style: chr20-3701447-G-A. GRCh37 (hg19) VCF-style: chr20-3682094-G-A.
Other names: c.1423C>T, p.Arg475Cys (NM_001367089.1); short protein forms R475C.
Identifiers: ClinVar variation 2591542 (VCV002591542.25), dbSNP rs146938047, ClinGen allele CA9747126.